The following is an entry in ClinVar:

NM_006031.6(PCNT):c.1171T>G (p.Leu391Val)

Gene: PCNT (pericentrin; plus strand). Cytogenetic location: 21q22.3.
Variant type: single nucleotide variant.
Coding change: c.1171T>G on transcript NM_006031.6 (MANE Select); coding-DNA position 1171, T replaced by G.
Protein change: p.Leu391Val; replaces leucine 391 with valine.
Molecular consequence: missense variant.
Genome position (GRCh38, 1-based): chr21:46,349,150, T>G. VCF-style: chr21-46349150-T-G. GRCh37 (hg19) VCF-style: chr21-47769064-T-G.
Other names: c.817T>G, p.Leu273Val (NM_001315529.2); short protein forms L273V, L391V.
Identifiers: ClinVar variation 2328426 (VCV002328426.3), dbSNP rs187372555, ClinGen allele CA410556078.

ClinVar aggregate classification (germline): Uncertain significance. Review status: criteria provided, multiple submitters, no conflicts (2 of 4 stars). 2 submissions from 2 submitters: Uncertain significance (2). Last evaluated 2025-10-31.

Conditions:
Inborn genetic diseases. Identifiers: MedGen C0950123, MeSH D030342.
PCNT-related disorder. Also called: PCNT-related condition.

gnomAD v4.1: 17 of 1,613,712 alleles (0.0011%); highest among the groups gnomAD compares: Non-Finnish European, 0.0014%; no homozygotes.

Submissions (2):

PreventionGenetics, part of Exact Sciences
Classification: Uncertain significance for PCNT-related condition. Last evaluated: 2025-10-31. Review status: criteria provided, single submitter. Criteria: ACMG Guidelines, 2015. Collection method: clinical testing. Allele origin: germline.
Comment: The PCNT c.1171T>G variant is predicted to result in the amino acid substitution p.Leu391Val. To our knowledge, this variant has not been reported in the literature. This variant is reported in 0.0018% of alleles in individuals of European (Non-Finnish) descent in gnomAD. At this time, the clinical significance of this variant is uncertain due to the absence of conclusive functional and genetic evidence.

Ambry Genetics
Classification: Uncertain significance for Inborn genetic diseases. Last evaluated: 2022-11-19. Review status: criteria provided, single submitter. Criteria: Ambry Variant Classification Scheme 2023. Collection method: clinical testing. Allele origin: germline.